The following is an entry in ClinVar:

ClinVar aggregate classification (germline): Pathogenic (1 of 4 stars; one submission).

Conditions:
Hyperinsulinemic hypoglycemia, familial, 1 (HHF1). Also called: Persistent hyperinsulinemic hypoglycemia of infancy; HYPERINSULINISM, FAMILIAL, WITH PANCREATIC NESIDIOBLASTOSIS; HYPOGLYCEMIA, HYPERINSULINEMIC, OF INFANCY; Persistent Hyperinsulinemia Hypoglycemia of Infancy; NESIDIOBLASTOSIS OF PANCREAS. Identifiers: Orphanet 276575, Orphanet 276598, MedGen C2931832, MONDO:0009734, OMIM 256450.

Submission:

3billion
Classification: Pathogenic for Hyperinsulinemic hypoglycemia, familial, 1. Last evaluated: 2025-02-27. Review status: criteria provided, single submitter. Criteria: ACMG Guidelines, 2015. Collection method: clinical testing. Allele origin: germline. Affected: yes.
Comment: The variant is not observed in the gnomAD v4.1.0 dataset. Predicted Consequence/Location: Frameshift: predicted to result in a loss or disruption of normal protein function through nonsense-mediated decay (NMD) or protein truncation. Multiple pathogenic variants are reported downstream of the variant. The variant has been reported to be associated with ABCC8-related disorder (PMID: 9618169). Therefore, this variant is classified as Pathogenic according to the recommendation of ACMG/AMP guideline.

Literature cited by the submitters: PubMed 9618169.

NM_000352.6(ABCC8):c.950del (p.Pro317fs)

Gene: ABCC8 (ATP binding cassette subfamily C member 8; minus strand). Cytogenetic location: 11p15.1.
Variant type: Deletion.
Coding change: c.950del on transcript NM_000352.6 (MANE Select); coding-DNA position 950, one base deleted (C; older notation c.950delC).
Protein change: p.Pro317fs; shifts the reading frame from proline 317.
Molecular consequence: frameshift variant. On other transcripts: non-coding transcript variant (1).
Genome position (GRCh38, 1-based): chr11:17,460,549, G deleted on the plus strand (C on the coding strand, the reverse complement: ABCC8 is on the minus strand); the first of 2 consecutive G bases (chr11:17,460,549-17,460,550); deleting either gives the same sequence. VCF-style (leftmost placement, unchanged base first): chr11-17460548-TG-T. GRCh37 (hg19) VCF-style: chr11-17482095-TG-T.
Other names: c.950del, p.Pro317fs (NM_001287174.3, NM_001351295.2); c.947del, p.Pro316fs (NM_001351296.2, NM_001351297.2); short protein forms P316fs, P317fs.
Identifiers: ClinVar variation 4292997 (VCV004292997.1).